The following is an entry in ClinVar:

NM_001365276.2(TNXB):c.8861T>C (p.Leu2954Pro)

Gene: TNXB (tenascin XB; minus strand). Cytogenetic location: 6p21.33.
Variant type: single nucleotide variant.
Coding change: c.8861T>C on transcript NM_001365276.2 (MANE Select); coding-DNA position 8861, T replaced by C.
Protein change: p.Leu2954Pro; replaces leucine 2954 with proline.
Molecular consequence: missense variant.
Genome position (GRCh38, 1-based): chr6:32,052,924, A>G on the plus strand (T>C on the coding strand, the complement: TNXB is on the minus strand). VCF-style: chr6-32052924-A-G. GRCh37 (hg19) VCF-style: chr6-32020701-A-G.
Other names: c.8855T>C, p.Leu2952Pro (NM_019105.8); short protein forms L2952P, L2954P.
Identifiers: ClinVar variation 1310691 (VCV001310691.5), dbSNP rs554550665, ClinGen allele CA3733715.

ClinVar aggregate classification (germline): Uncertain significance. Review status: criteria provided, multiple submitters, no conflicts (2 of 4 stars). 3 submissions from 3 submitters: Uncertain significance (3). Last evaluated 2025-01-14.

Conditions:
Cardiovascular phenotype. Identifiers: MedGen CN230736.

Allele frequency attached by ClinVar (database versions not stated): TOPMed 0.00001; ExAC 0.00002; gnomAD 0.00002 and 0.00001; gnomAD exomes 0.00002 and 0.00003; 1000 Genomes Project 30x 0.00016; 1000 Genomes Project 0.00020.
gnomAD v4.1: 30 of 1,612,510 alleles (0.0019%); highest among the groups gnomAD compares: South Asian, 0.026%; no homozygotes.

Submissions (3):

Women's Health and Genetics/Laboratory Corporation of America, LabCorp
Classification: Uncertain significance. Last evaluated: 2025-01-14. Review status: criteria provided, single submitter. Criteria: LabCorp Variant Classification Summary - May 2015. Collection method: clinical testing. Allele origin: germline.
Comment: Variant summary: TNXB c.8855T>C (p.Leu2952Pro) results in a non-conservative amino acid change located in the Fibronectin type-III domain (IPR003961) of the encoded protein sequence. Three of four in-silico tools predict a damaging effect of the variant on protein function. The variant allele was found at a frequency of 3.3e-05 in 243288 control chromosomes (gnomAD). The available data on variant occurrences in the general population are insufficient to allow any conclusion about variant significance. To our knowledge, no occurrence of c.8855T>C in individuals affected with Ehlers-Danlos syndrome due to tenascin-X deficiency and no experimental evidence demonstrating its impact on protein function have been reported. ClinVar contains an entry for this variant (Variation ID: 1310691). Based on the evidence outlined above, the variant was classified as uncertain significance.

Ambry Genetics
Classification: Uncertain significance for Cardiovascular phenotype. Last evaluated: 2023-11-05. Review status: criteria provided, single submitter. Criteria: Ambry Variant Classification Scheme 2023. Collection method: clinical testing. Allele origin: germline.
Comment: The p.L2952P variant (also known as c.8855T>C), located in coding exon 25 of the TNXB gene, results from a T to C substitution at nucleotide position 8855. The leucine at codon 2952 is replaced by proline, an amino acid with similar properties. This amino acid position is conserved. In addition, this alteration is predicted to be tolerated by in silico analysis. Since supporting evidence is limited at this time, the clinical significance of this alteration remains unclear.

GeneDx
Classification: Uncertain significance. Last evaluated: 2019-12-04. Review status: criteria provided, single submitter. Criteria: GeneDx Variant Classification Process June 2021. Collection method: clinical testing. Allele origin: germline. Affected: yes.
Comment: Has not been previously published as pathogenic or benign to our knowledge; In silico analysis, which includes protein predictors and evolutionary conservation, supports a deleterious effect